The following is an entry in ClinVar:

GRCh37/hg19 16p12.2(chr16:21948756-22442007)x1

Genes: SDR42E2 (short chain dehydrogenase/reductase family 42E, member 2), UQCRC2 (ubiquinol-cytochrome c reductase core protein 2), CDR2 (cerebellar degeneration related protein 2), PDZD9 (PDZ domain containing 9), POLR3E (RNA polymerase III subunit E) and 3 more. Cytogenetic location: 16p12.2.
Variant type: copy number loss.
Change: copy number 1 (one copy instead of two) of chr16:21,948,756-22,442,007 (493.3 kb, GRCh37 coordinates, 1-based), cytogenetic band 16p12.2.
Identifiers: ClinVar variation 564306 (VCV000564306.5).

ClinVar aggregate classification (germline): Pathogenic (1 of 4 stars; one submission).

Submission:

Quest Diagnostics Nichols Institute San Juan Capistrano
Classification: Pathogenic. Last evaluated: 2024-05-13. Review status: criteria provided, single submitter. Criteria: ACMG/ClinGen CNV Guidelines, 2019. Collection method: clinical testing. Allele origin: unknown.
Comment: This copy number loss is consistent with the proximal 16p12.2 recurrent region (ISCA-37409; frequently referred to as 16p12.1 deletion in the literature, see OMIM 136570) is associated with susceptibility to various neurodevelopmental and neuropsychiatric phenotypes (Girirajan 2018, Redaelli 2019). Thus, based on current medical literature, this copy number variant (CNV) may be best described as a susceptibility locus and is classified as pathogenic. References: Girirajan et al., GeneReviews 2018 Sep 13. PMID: 25719193; Redaelli et al., Int J Mol Sci. 2019 Mar 4;20(5):1095. PMID: 30836599